The following is an entry in ClinVar:

ClinVar aggregate classification (germline): Uncertain significance (1 of 4 stars; one submission).

gnomAD v4.1: 3 of 1,612,768 alleles (0.00019%); highest among the groups gnomAD compares: South Asian, 0.0022%; no homozygotes.

Submission:

Labcorp Genetics (formerly Invitae), Labcorp
Classification: Uncertain significance. Last evaluated: 2025-09-04. Review status: criteria provided, single submitter. Criteria: Invitae Variant Classification Sherloc (09022015). Collection method: clinical testing. Allele origin: germline.
Comment: This sequence change replaces arginine, which is basic and polar, with tryptophan, which is neutral and slightly polar, at codon 350 of the PTPN2 protein (p.Arg350Trp). This variant is not present in population databases (gnomAD no frequency). This variant has not been reported in the literature in individuals affected with PTPN2-related conditions. An algorithm developed to predict the effect of missense changes on protein structure and function (PolyPhen-2) suggests that this variant is likely to be tolerated. In summary, the available evidence is currently insufficient to determine the role of this variant in disease. Therefore, it has been classified as a Variant of Uncertain Significance.

NM_002828.4(PTPN2):c.1048C>T (p.Arg350Trp)

Gene: PTPN2 (protein tyrosine phosphatase non-receptor type 2; minus strand). Cytogenetic location: 18p11.21.
Variant type: single nucleotide variant.
Coding change: c.1048C>T on transcript NM_002828.4 (MANE Select); coding-DNA position 1048, C replaced by T.
Protein change: p.Arg350Trp; replaces arginine 350 with tryptophan.
Molecular consequence: missense variant. On other transcripts: intron variant (1).
Genome position (GRCh38, 1-based): chr18:12,794,478, G>A on the plus strand (C>T on the coding strand, the complement: PTPN2 is on the minus strand). VCF-style: chr18-12794478-G-A. GRCh37 (hg19) VCF-style: chr18-12794477-G-A.
Other names: c.1117C>T, p.Arg373Trp (NM_001207013.2); c.961C>T, p.Arg321Trp (NM_001308287.1); c.1048C>T, p.Arg350Trp (NM_080422.3); c.1040+7492C>T (NM_080423.3); short protein forms R350W, R373W, R321W.
Identifiers: ClinVar variation 4713241 (VCV004713241.1).
Genomic context (GRCh38, chr18:12,794,478, plus strand): 5'-GTTTCATCTGCTGCACCTTCTGAGCTGTGGTGGCCTTTCTGTCCTCTCGAATACGTTTCC[G>A]TAGAGCACTATGAGGAAATAAAAACAAGTGAAAGGAAGTGCACACAGAGCAGGACTTGAG-3'
Protein context (NP_002819.2, residues 340-360): TMEENSESAL[Arg350Trp]KRIREDRKAT